The following is an entry in ClinVar:

ClinVar aggregate classification (germline): Uncertain significance. Review status: criteria provided, multiple submitters, no conflicts (2 of 4 stars). 2 submissions from 2 submitters: Uncertain significance (2). Last evaluated 2026-03-23.

Conditions:
SEMA3C-related disorder. Also called: SEMA3C-related condition.

gnomAD v4.1: 1 of 1,613,990 alleles (0.000062%); highest among the groups gnomAD compares: African/African-American, 0.0013%; no homozygotes.

Submissions (2):

PreventionGenetics, part of Exact Sciences
Classification: Uncertain significance for SEMA3C-related condition. Last evaluated: 2026-03-23. Review status: criteria provided, single submitter. Criteria: ACMG Guidelines, 2015. Collection method: clinical testing. Allele origin: germline.
Comment: The SEMA3C c.2300C>T variant is predicted to result in the amino acid substitution p.Pro767Leu. To our knowledge, this variant has not been reported in the literature or in a large population database (gnomAD), indicating this variant is rare. At this time, the clinical significance of this variant is uncertain due to the absence of conclusive functional and genetic evidence.

Ambry Genetics
Classification: Uncertain significance. Last evaluated: 2025-10-07. Review status: criteria provided, single submitter. Criteria: Ambry Variant Classification Scheme 2023. Collection method: clinical testing. Allele origin: germline.

NM_006379.5(SEMA3C):c.2246C>T (p.Pro749Leu)

Gene: SEMA3C (semaphorin 3C; minus strand). Cytogenetic location: 7q21.11.
Variant type: single nucleotide variant.
Coding change: c.2246C>T on transcript NM_006379.5 (MANE Select); coding-DNA position 2246, C replaced by T.
Protein change: p.Pro749Leu; replaces proline 749 with leucine.
Molecular consequence: missense variant.
Genome position (GRCh38, 1-based): chr7:80,744,904, G>A on the plus strand (C>T on the coding strand, the complement: SEMA3C is on the minus strand). VCF-style: chr7-80744904-G-A. GRCh37 (hg19) VCF-style: chr7-80374220-G-A.
Other names: c.2300C>T (NM_001350120.1); c.2300C>T, p.Pro767Leu (NM_001350120.2); c.2072C>T, p.Pro691Leu (NM_001350121.2); short protein forms P749L, P691L, P767L.
Identifiers: ClinVar variation 4582142 (VCV004582142.2).
Genomic context (GRCh38, chr7:80,744,904, plus strand): 5'-TGAAGACAGAGCATTTGTTAATGGAAGCATAAGACCCACATAAGAAAATATTATGACTCT[G>A]GCAACTGATTCCTCCTGTTTCTACTTTTCCGACTATTGATGAGGGCCTTTAACTTGCCAT-3'
Protein context (NP_006370.1, residues 739-751): RKSRNRRNQL[Pro749Leu]ES